The following is an entry in ClinVar:

NM_024685.4(BBS10):c.850C>T (p.Gln284Ter)

Gene: BBS10 (Bardet-Biedl syndrome 10; minus strand). Cytogenetic location: 12q21.2.
Variant type: single nucleotide variant.
Coding change: c.850C>T on transcript NM_024685.4 (MANE Select); coding-DNA position 850, C replaced by T.
Protein change: p.Gln284Ter; replaces glutamine 284 with a stop codon.
Molecular consequence: nonsense.
Genome position (GRCh38, 1-based): chr12:76,347,135, G>A on the plus strand (C>T on the coding strand, the complement: BBS10 is on the minus strand). VCF-style: chr12-76347135-G-A. GRCh37 (hg19) VCF-style: chr12-76740915-G-A.
Other names: c.850C>T, p.Gln284Ter (LRG_1255t1); short protein forms Q284*.
Identifiers: ClinVar variation 551120 (VCV000551120.20), dbSNP rs758732081, ClinGen allele CA6694275.
Genomic context (GRCh38, chr12:76,347,135, plus strand): 5'-GACTATGTAGATGTTTCATTATTGCTTTTGTCTTTTCCATAATCCAAAATTGAGATGTCT[G>A]AAACTGTGCTTCTGAATTTAGAATAAACTCTGATCCAGAAGTGGAAAAAAGAGGCTGAAT-3'

ClinVar aggregate classification (germline): Pathogenic/Likely pathogenic. Review status: criteria provided, multiple submitters, no conflicts (2 of 4 stars). 8 submissions from 8 submitters: Pathogenic (5); Likely pathogenic (2). 1 of the submissions does not count toward it. Last evaluated 2025-12-31.

Conditions:
BBS10-related disorder. Also called: BBS10-related condition.
Bardet-Biedl syndrome (BBS). Identifiers: Orphanet 110, MedGen C0752166, MONDO:0015229.
Bardet-Biedl syndrome 10 (BBS10). Identifiers: Orphanet 110, MedGen C1859568, MONDO:0014438, OMIM 615987.

Allele frequency attached by ClinVar (database versions not stated): ExAC 0.00001; gnomAD 0.00001; gnomAD exomes 0.00001; TOPMed 0.00003.

Submissions (8):

Labcorp Genetics (formerly Invitae), Labcorp
Classification: Pathogenic for Bardet-Biedl syndrome. Last evaluated: 2025-12-31. Review status: criteria provided, single submitter. Criteria: Invitae Variant Classification Sherloc (09022015). Collection method: clinical testing. Allele origin: germline.
Comment: This sequence change creates a premature translational stop signal (p.Gln284*) in the BBS10 gene. While this is not anticipated to result in nonsense mediated decay, it is expected to disrupt the last 440 amino acid(s) of the BBS10 protein. This variant is present in population databases (rs758732081, gnomAD 0.01%). This premature translational stop signal has been observed in individual(s) with Bardet-Biedl syndrome (PMID: 24611592). ClinVar contains an entry for this variant (Variation ID: 551120). This variant disrupts a region of the BBS10 protein in which other variant(s) (p.Val707*) have been determined to be pathogenic (PMID: 20472660, 22773737, 25982971, 27486776). This suggests that this is a clinically significant region of the protein, and that variants that disrupt it are likely to be disease-causing. For these reasons, this variant has been classified as Pathogenic.

Natera, Inc.
Classification: Likely pathogenic for Bardet-Biedl syndrome type 10. Last evaluated: 2025-03-17. Review status: criteria provided, single submitter. Criteria: Natera Variant Classification Schema (03/2026). Collection method: clinical testing. Allele origin: germline.
Comment: The c.850C>T variant in BBS10 is a nonsense variant predicted to introduce a stop codon at amino acid 284. This variant is expected to result in nonsense mediated decay, truncation, or a dysfunctional protein product. This variant is rare in the general population with a frequency below the threshold expected for the associated phenotype(s). This variant has been observed in one or more individuals affected with the associated recessive disease, as either homozygous or compound heterozygous with a second variant (PMID: 24611592). Additionally, this variant has been observed to segregate in affected family members (PMID: 28502102). Given the available evidence, this variant is classified as Likely Pathogenic.

GeneDx
Classification: Likely pathogenic. Last evaluated: 2024-12-09. Review status: criteria provided, single submitter. Criteria: GeneDx Variant Classification Process June 2021. Collection method: clinical testing. Allele origin: germline. Affected: yes.
Comment: Nonsense variant predicted to result in protein truncation, as the last 440 amino acids are lost, and other loss-of-function variants have been reported downstream; This variant is associated with the following publications: (PMID: 28502102, 20472660, 22773737, 25982971, 27486776, 31964843, 35835773, 24611592)

Fulgent Genetics
Classification: Pathogenic for Bardet-Biedl syndrome 10. Last evaluated: 2024-04-16. Review status: criteria provided, single submitter. Criteria: ACMG Guidelines, 2015. Collection method: clinical testing. Allele origin: germline.

Baylor Genetics
Classification: Pathogenic for Bardet-Biedl syndrome 10. Last evaluated: 2024-02-14. Review status: criteria provided, single submitter. Criteria: ACMG Guidelines, 2015. Collection method: clinical testing. Allele origin: unknown.

Mendelics
Classification: Pathogenic for Bardet-Biedl syndrome 10. Last evaluated: 2019-05-28. Review status: criteria provided, single submitter. Criteria: Mendelics Assertion Criteria 2017. Collection method: clinical testing. Allele origin: unknown.

Blueprint Genetics
Classification: Pathogenic for BBS10-related disorders. Last evaluated: 2018-05-13. Review status: criteria provided, single submitter. Criteria: ACMG Guidelines, 2015. Collection method: clinical testing. Allele origin: germline. Affected: yes. Observed: 1 variant allele.

Counsyl
Classification: Likely pathogenic for Bardet-Biedl syndrome 10. Last evaluated: 2017-03-15. Review status: no assertion criteria provided. Collection method: clinical testing. Allele origin: unknown. Not counted in ClinVar's aggregate classification.

Literature cited by the submitters: PubMed 24611592 (cited by 3 submitters); PubMed 20472660 (cited by Labcorp Genetics (formerly Invitae), Labcorp); PubMed 22773737 (cited by Labcorp Genetics (formerly Invitae), Labcorp); PubMed 25982971 (cited by Labcorp Genetics (formerly Invitae), Labcorp); PubMed 27486776 (cited by Labcorp Genetics (formerly Invitae), Labcorp); PubMed 28502102 (cited by Natera, Inc.).